The following is an entry in ClinVar:

ClinVar aggregate classification (germline): Conflicting classifications of pathogenicity. Review status: criteria provided, conflicting classifications (1 of 4 stars). 4 submissions from 4 submitters: Uncertain significance (1); Likely benign (3). Last evaluated 2025-10-17.

Conditions:
Cone-rod dystrophy 5 (CORD5). Identifiers: Orphanet 1872, MedGen C1832976, MONDO:0010969, OMIM 600977.

Allele frequency attached by ClinVar (database versions not stated): gnomAD 0.00004 and 0.00005; TOPMed 0.00006; ESP Exome Variant Server 0.00008; gnomAD exomes 0.00008; ExAC 0.00010.
gnomAD v4.1: 123 of 1,613,992 alleles (0.0076%); highest among the groups gnomAD compares: Middle Eastern, 0.033%; no homozygotes.

Submissions (4):

Labcorp Genetics (formerly Invitae), Labcorp
Classification: Likely benign. Last evaluated: 2025-10-17. Review status: criteria provided, single submitter. Criteria: Invitae Variant Classification Sherloc (09022015). Collection method: clinical testing. Allele origin: germline.

Blueprint Genetics
Classification: Likely benign. Last evaluated: 2023-05-02. Review status: criteria provided, single submitter. Criteria: ACMG Guidelines, 2015. Collection method: clinical testing. Allele origin: germline.

Illumina Laboratory Services, Illumina
Classification: Likely benign for Cone-rod dystrophy 5. Last evaluated: 2018-01-13. Review status: criteria provided, single submitter. Criteria: ICSL Variant Classification Criteria 13 December 2019. Collection method: clinical testing. Allele origin: germline.
Comment: This variant was observed in the ICSL laboratory as part of a predisposition screen in an ostensibly healthy population. It had not been previously curated by ICSL or reported in the Human Gene Mutation Database (HGMD: prior to June 1st, 2018), and was therefore a candidate for classification through an automated scoring system. Utilizing variant allele frequency, disease prevalence and penetrance estimates, and inheritance mode, an automated score was calculated to assess if this variant is too frequent to cause the disease. Based on the score and internal cut-off values, a variant classified as likely benign is not then subjected to further curation. The score for this variant resulted in a classification of likely benign for this disease.

Eurofins Ntd Llc (ga)
Classification: Uncertain significance. Last evaluated: 2017-03-24. Review status: criteria provided, single submitter. Criteria: EGL Classification Definitions 2015. Collection method: clinical testing. Allele origin: germline. Observed: 1 variant allele, 1 heterozygote.

NM_031220.4(PITPNM3):c.747G>A (p.Lys249=)

Gene: PITPNM3 (PITPNM family member 3; minus strand). Cytogenetic location: 17p13.2.
Variant type: single nucleotide variant.
Coding change: c.747G>A on transcript NM_031220.4 (MANE Select); coding-DNA position 747, G replaced by A.
Protein change: p.Lys249=; no amino-acid change (lysine 249 retained).
Molecular consequence: synonymous variant.
Genome position (GRCh38, 1-based): chr17:6,478,577, C>T on the plus strand (G>A on the coding strand, the complement: PITPNM3 is on the minus strand). VCF-style: chr17-6478577-C-T. GRCh37 (hg19) VCF-style: chr17-6381897-C-T.
Other names: c.639G>A, p.Lys213= (NM_001165966.2).
Identifiers: ClinVar variation 324760 (VCV000324760.19), dbSNP rs371282530, ClinGen allele CA8329756.
Genomic context (GRCh38, chr17:6,478,577, plus strand): 5'-GGGAGAGGAGGAGAGGGCAGGCTGTCCTACCTGCCCACTGAAGCCAATCCCATCAGAGGA[C>T]TTCAGGAACTCTCTGTAGACCTGGTTGGCTCGCTCGATGACGGTGGCGACAGCATCCTGG-3'
Protein context (NP_112497.2, residues 239-259): RANQVYREFL[Lys249=]SSDGIGFSGQ